The following is an entry in ClinVar:

ClinVar aggregate classification (germline): Benign/Likely benign. Review status: criteria provided, multiple submitters, no conflicts (2 of 4 stars). 7 submissions from 7 submitters: Benign (4); Likely benign (2). 1 of the submissions does not count toward it. Last evaluated 2026-02-02.

Conditions:
Sandhoff disease. Also called: Beta-hexosaminidase-beta-subunit deficiency; GM2 gangliosidosis, type 2; Total hexosaminidase deficiency; Sandhoff-Jatzkewitz-Pilz disease; GM2-GANGLIOSIDOSIS, TYPE II; HEXOSAMINIDASES A AND B DEFICIENCY. Identifiers: Orphanet 796, MedGen C0036161, MONDO:0010006, OMIM 268800.

Allele frequency attached by ClinVar (database versions not stated): 1000 Genomes Project 30x 0.01202; gnomAD exomes 0.00092 and 0.00253; ExAC 0.00306; gnomAD 0.00904 and 0.00967; TOPMed 0.01054; 1000 Genomes Project 0.01078; ESP Exome Variant Server 0.01084.
gnomAD v4.1: 2,759 of 1,609,124 alleles (0.17%); highest among the groups gnomAD compares: African/African-American, 3.1%; 46 homozygotes.

Submissions (7):

Labcorp Genetics (formerly Invitae), Labcorp
Classification: Benign for Sandhoff disease. Last evaluated: 2026-02-02. Review status: criteria provided, single submitter. Criteria: Invitae Variant Classification Sherloc (09022015). Collection method: clinical testing. Allele origin: germline.

GeneDx
Classification: Likely benign. Last evaluated: 2022-07-13. Review status: criteria provided, single submitter. Criteria: GeneDx Variant Classification Process June 2021. Collection method: clinical testing. Allele origin: germline. Affected: yes.
Comment: See Variant Classification Assertion Criteria.

Fulgent Genetics
Classification: Likely benign for Sandhoff disease. Last evaluated: 2021-07-16. Review status: criteria provided, single submitter. Criteria: ACMG Guidelines, 2015. Collection method: clinical testing. Allele origin: unknown.

Center for Pediatric Genomic Medicine, Children's Mercy Hospital and Clinics
Classification: Benign. Last evaluated: 2015-08-26. Review status: criteria provided, single submitter. Criteria: ACMG Guidelines, 2015. Collection method: clinical testing. Allele origin: germline.

Breakthrough Genomics
Classification: Benign. Review status: criteria provided, single submitter. Criteria: ACMG Guidelines, 2015. Collection method: not provided. Allele origin: germline. Inheritance: Autosomal recessive inheritance. Affected: yes.

PreventionGenetics, part of Exact Sciences
Classification: Benign. Review status: criteria provided, single submitter. Criteria: ACMG Guidelines, 2015. Collection method: clinical testing. Allele origin: germline.

Natera, Inc.
Classification: Benign for Sandhoff disease. Last evaluated: 2020-09-16. Review status: no assertion criteria provided. Collection method: clinical testing. Allele origin: germline. Not counted in ClinVar's aggregate classification.

NM_000521.4(HEXB):c.449C>A (p.Thr150Asn)

Gene: HEXB (hexosaminidase subunit beta; plus strand). Cytogenetic location: 5q13.3.
Variant type: single nucleotide variant.
Coding change: c.449C>A on transcript NM_000521.4 (MANE Select); coding-DNA position 449, C replaced by A.
Protein change: p.Thr150Asn; replaces threonine 150 with asparagine.
Molecular consequence: missense variant. On other transcripts: 5 prime UTR variant (1).
Genome position (GRCh38, 1-based): chr5:74,693,642, C>A. VCF-style: chr5-74693642-C-A. GRCh37 (hg19) VCF-style: chr5-73989467-C-A.
Other names: c.-227C>A (NM_001292004.2); short protein forms T150N.
Identifiers: ClinVar variation 235583 (VCV000235583.16), dbSNP rs148268937, ClinGen allele CA3305847.